The following is an entry in ClinVar:

NM_005045.4(RELN):c.9764-5T>G

Genes: RELN (reelin; minus strand), SLC26A5-AS1 (SLC26A5 antisense RNA 1; plus strand). Cytogenetic location: 7q22.1.
Variant type: single nucleotide variant.
Coding change: c.9764-5T>G on transcript NM_005045.4 (MANE Select); 5 bases into the intron before coding-DNA position 9764, T replaced by G.
Molecular consequence: intron variant.
Genome position (GRCh38, 1-based): chr7:103,486,421, A>C on the plus strand (T>G on the coding strand, the complement: RELN is on the minus strand). VCF-style: chr7-103486421-A-C. GRCh37 (hg19) VCF-style: chr7-103126868-A-C.
Other names: c.9764-5T>G (NM_173054.3).
Identifiers: ClinVar variation 2930658 (VCV002930658.3), dbSNP rs770978485, ClinGen allele CA4420122.
Genomic context (GRCh38, chr7:103,486,421, plus strand): 5'-AAAATTATCTTTAATATAACTGGGAAGGTCGTGACTGAAAACAGAGCAGTCATCACCTAG[A>C]GGACAAGGAGCAGTCACAGAAATTAAGTGGACCAACCAGAGTCATTCAAGATTAAGAACA-3'

ClinVar aggregate classification (germline): Uncertain significance (1 of 4 stars; one submission).

Conditions:
Familial temporal lobe epilepsy 7. Identifiers: Orphanet 101046, MedGen C4225327, MONDO:0014639, OMIM 616436.
Norman-Roberts syndrome (LIS2). Also called: Lissencephaly 2 (Norman-Roberts type). Identifiers: Orphanet 89844, MedGen C0796089, MONDO:0009760, OMIM 257320.

Allele frequency attached by ClinVar (database versions not stated): ExAC 0.00001; gnomAD 0.00001; TOPMed 0.00001.
gnomAD v4.1: 1 of 1,609,492 alleles (0.000062%); highest among the groups gnomAD compares: African/African-American, 0.0013%; no homozygotes.

Submission:

Labcorp Genetics (formerly Invitae), Labcorp
Classification: Uncertain significance for Familial temporal lobe epilepsy 7; Norman-Roberts syndrome. Last evaluated: 2022-10-30. Review status: criteria provided, single submitter. Criteria: Invitae Variant Classification Sherloc (09022015). Collection method: clinical testing. Allele origin: germline.
Comment: Algorithms developed to predict the effect of sequence changes on RNA splicing suggest that this variant may disrupt the consensus splice site. In summary, the available evidence is currently insufficient to determine the role of this variant in disease. Therefore, it has been classified as a Variant of Uncertain Significance. This variant has not been reported in the literature in individuals affected with RELN-related conditions. This sequence change falls in intron 60 of the RELN gene. It does not directly change the encoded amino acid sequence of the RELN protein. This variant is present in population databases (rs770978485, gnomAD 0.007%).